The following is an entry in ClinVar:

NM_001903.5(CTNNA1):c.103C>G (p.Gln35Glu)

Gene: CTNNA1 (catenin alpha 1; plus strand). Cytogenetic location: 5q31.2.
Variant type: single nucleotide variant.
Coding change: c.103C>G on transcript NM_001903.5 (MANE Select); coding-DNA position 103, C replaced by G.
Protein change: p.Gln35Glu; replaces glutamine 35 with glutamic acid.
Molecular consequence: missense variant. On other transcripts: 5 prime UTR variant (2).
Genome position (GRCh38, 1-based): chr5:138,782,027, C>G. VCF-style: chr5-138782027-C-G. GRCh37 (hg19) VCF-style: chr5-138117716-C-G.
Other names: c.103C>G, p.Gln35Glu (NM_001290307.3, NM_001323982.2, NM_001323983.1 and 3 more transcripts); c.-11C>G (NM_001290309.3); c.-104C>G (NM_001290310.3); short protein forms Q35E.
Identifiers: ClinVar variation 3498271 (VCV003498271.1).

ClinVar aggregate classification (germline): Uncertain significance (1 of 4 stars; one submission).

Conditions:
Hereditary cancer-predisposing syndrome. Also called: Tumor predisposition; Neoplastic Syndromes, Hereditary; Hereditary Cancer Syndrome; Hereditary neoplastic syndrome. Identifiers: Orphanet 140162, MedGen C0027672, MeSH D009386, MONDO:0015356.

Submission:

Ambry Genetics
Classification: Uncertain significance for Hereditary cancer-predisposing syndrome. Last evaluated: 2024-11-21. Review status: criteria provided, single submitter. Criteria: Ambry Variant Classification Scheme 2023. Collection method: clinical testing. Allele origin: germline.
Comment: The p.Q35E variant (also known as c.103C>G), located in coding exon 1 of the CTNNA1 gene, results from a C to G substitution at nucleotide position 103. The glutamine at codon 35 is replaced by glutamic acid, an amino acid with highly similar properties. This amino acid position is conserved. In addition, this alteration is predicted to be deleterious by in silico analysis. Based on the available evidence, the clinical significance of this variant remains unclear.